The following is an entry in ClinVar:

NM_006035.4(CDC42BPB):c.590T>G (p.Val197Gly)

Gene: CDC42BPB (CDC42 binding protein kinase beta; minus strand). Cytogenetic location: 14q32.32.
Variant type: single nucleotide variant.
Coding change: c.590T>G on transcript NM_006035.4 (MANE Select); coding-DNA position 590, T replaced by G.
Protein change: p.Val197Gly; replaces valine 197 with glycine.
Molecular consequence: missense variant.
Genome position (GRCh38, 1-based): chr14:102,999,571, A>C on the plus strand (T>G on the coding strand, the complement: CDC42BPB is on the minus strand). VCF-style: chr14-102999571-A-C. GRCh37 (hg19) VCF-style: chr14-103465908-A-C.
Other names: c.590T>G, p.Val197Gly (NM_001411054.1); short protein forms V197G.
Identifiers: ClinVar variation 4882955 (VCV004882955.2).

ClinVar aggregate classification (germline): Uncertain significance (1 of 4 stars; one submission).

Submission:

Dasa
Classification: Uncertain significance. Last evaluated: 2024-09-12. Review status: criteria provided, single submitter. Criteria: DASA Assertion Criteria. Collection method: clinical testing. Allele origin: germline.
Comment: NM_006035.4(CDC42BPB):c.590T>G (p.Val197Gly) is a missense variant that results in the substitution of valine with glycine. This variant is absent from population databases. Computational prediction algorithms are consistent with a deleterious effect. The currently available literature and clinical evidence are not sufficient to establish a definitive association between this variant and the reported condition. Therefore, this variant is classified as a variant of uncertain significance.